The following is an entry in ClinVar:

ClinVar aggregate classification (germline): Likely benign. Review status: criteria provided, multiple submitters, no conflicts (2 of 4 stars). 2 submissions from 2 submitters: Likely benign (2). Last evaluated 2026-03-01.

gnomAD v4.1: 34 of 1,614,204 alleles (0.0021%); highest among the groups gnomAD compares: East Asian, 0.058%; no homozygotes.

Submissions (2):

CeGaT Center for Human Genetics Tuebingen
Classification: Likely benign. Last evaluated: 2026-03-01. Review status: criteria provided, single submitter. Criteria: CeGaT Center For Human Genetics Tuebingen Variant Classification Criteria Version 2. Collection method: clinical testing. Allele origin: germline. Affected: yes. Observed: 1 variant allele.
Comment: CPLANE1: BP4, BP7

Labcorp Genetics (formerly Invitae), Labcorp
Classification: Likely benign. Last evaluated: 2024-08-01. Review status: criteria provided, single submitter. Criteria: Invitae Variant Classification Sherloc (09022015). Collection method: clinical testing. Allele origin: germline.

NM_001384732.1(CPLANE1):c.6249T>G (p.Leu2083=)

Gene: CPLANE1 (ciliogenesis and planar polarity effector complex subunit 1; minus strand). Cytogenetic location: 5p13.2.
Variant type: single nucleotide variant.
Coding change: c.6249T>G on transcript NM_001384732.1 (MANE Select); coding-DNA position 6249, T replaced by G.
Protein change: p.Leu2083=; no amino-acid change (leucine 2083 retained).
Molecular consequence: synonymous variant.
Genome position (GRCh38, 1-based): chr5:37,170,254, A>C on the plus strand (T>G on the coding strand, the complement: CPLANE1 is on the minus strand). VCF-style: chr5-37170254-A-C. GRCh37 (hg19) VCF-style: chr5-37170356-A-C.
Other names: c.6249T>G, p.Leu2083= (NM_023073.4).
Identifiers: ClinVar variation 3672794 (VCV003672794.6).
Genomic context (GRCh38, chr5:37,170,254, plus strand): 5'-ACATCCTCTTAGGTTTGATTCTTGGCTTTCCCCTAAATGCACAGACTGAGACTGCTGTAC[A>C]AGTTGTTGTGTATCTGGGAGATTAGCAAAGGATGATCCTACTATTTGCATTAGGCTCATG-3'
Protein context (NP_001371661.1, residues 2073-2093): SFANLPDTQQ[Leu2083=]VQQSQSVHLG